The following is an entry in ClinVar:

ClinVar aggregate classification (germline): Uncertain significance (1 of 4 stars; one submission).

Conditions:
Familial thoracic aortic aneurysm and aortic dissection (TAAD). Also called: Thoracic aortic aneurysms and dissections. Identifiers: Orphanet 91387, MedGen C4707243, MONDO:0019625.

gnomAD v4.1: 1 of 1,613,692 alleles (0.000062%); highest among the groups gnomAD compares: Non-Finnish European, 0.000085%; no homozygotes.

Submission:

All of Us Research Program, National Institutes of Health
Classification: Uncertain significance for Familial thoracic aortic aneurysm and aortic dissection. Last evaluated: 2024-09-13. Review status: criteria provided, single submitter. Criteria: ACMG Guidelines, 2015. Collection method: clinical testing. Allele origin: germline. Inheritance: Autosomal dominant inheritance. Observed: 1 variant allele, 1 heterozygote.
Comment: This missense variant replaces threonine with alanine at codon 821 of the MYH11 protein. Computational prediction suggests that this variant may not impact protein structure and function (internally defined REVEL score threshold <= 0.5, PMID: 27666373). To our knowledge, functional studies have not been reported for this variant. This variant has not been reported in individuals affected with MYH11-related disorders in the literature. This variant has not been identified in the general population by the Genome Aggregation Database (gnomAD). The available evidence is insufficient to determine the role of this variant in disease conclusively. Therefore, this variant is classified as a Variant of Uncertain Significance.

This study involves interpretation of variants in research participants for the purpose of population health screening. Participant phenotype was not available at the time of variant classification. Additional details can be found in publication PMID: 35346344, PMCID: PMC8962531

NM_002474.3(MYH11):c.2440A>G (p.Thr814Ala)

Gene: MYH11 (myosin heavy chain 11; minus strand). Cytogenetic location: 16p13.11.
Variant type: single nucleotide variant.
Coding change: c.2440A>G on transcript NM_002474.3 (MANE Select); coding-DNA position 2440, A replaced by G.
Protein change: p.Thr814Ala; replaces threonine 814 with alanine.
Molecular consequence: missense variant.
Genome position (GRCh38, 1-based): chr16:15,745,209, T>C on the plus strand (A>G on the coding strand, the complement: MYH11 is on the minus strand). VCF-style: chr16-15745209-T-C. GRCh37 (hg19) VCF-style: chr16-15839066-T-C.
Other names: c.2461A>G, p.Thr821Ala (NM_001040113.2, NM_001040114.2); c.2440A>G, p.Thr814Ala (NM_022844.3); short protein forms T814A, T821A.
Identifiers: ClinVar variation 3387220 (VCV003387220.1).